The following is an entry in ClinVar:

NM_005219.5(DIAPH1):c.3661+1G>T

Gene: DIAPH1 (diaphanous related formin 1; minus strand). Cytogenetic location: 5q31.3.
Variant type: single nucleotide variant.
Coding change: c.3661+1G>T on transcript NM_005219.5 (MANE Select); the canonical splice donor site of the intron after coding-DNA position 3661, G replaced by T.
Molecular consequence: splice donor variant.
Genome position (GRCh38, 1-based): chr5:141,524,142, C>A on the plus strand (G>T on the coding strand, the complement: DIAPH1 is on the minus strand). VCF-style: chr5-141524142-C-A. GRCh37 (hg19) VCF-style: chr5-140903709-C-A.
Other names: IVS17DS, G-T, +1; c.3634+1G>T (NM_001079812.3); c.3661+1G>T (NM_001314007.2).
Identifiers: ClinVar variation 7528 (VCV000007528.8), dbSNP rs1476157529, ClinGen allele CA361574942.
Genomic context (GRCh38, chr5:141,524,142, plus strand): 5'-GCAGGAGTAGAGAGCCCTCACCCCCTTCGACACCCAGGATGAGCTCCATGTGCTTACTTA[C>A]CTTGACGGGGCCCTCTCTTCCGTCGGAATGCTGCCCCTGACTGCAGGGCTTCTAGAAGAC-3'

ClinVar aggregate classification (germline): Pathogenic. Review status: criteria provided, multiple submitters, no conflicts (2 of 4 stars). 3 submissions from 3 submitters: Pathogenic (2). 1 of the submissions does not count toward it. Last evaluated 2026-04-07.

Conditions:
Progressive microcephaly-seizures-cortical blindness-developmental delay syndrome. Also called: Seizures, cortical blindness, and microcephaly syndrome. Identifiers: Orphanet 477814, MedGen C5567650, MONDO:0014714, OMIM 616632.
Autosomal dominant nonsyndromic hearing loss 1. Also called: DEAFNESS, AUTOSOMAL DOMINANT 1, WITH OR WITHOUT THROMBOCYTOPENIA; KONIGSMARK SYNDROME. Identifiers: Orphanet 90635, MedGen C1852282, MONDO:0007424, OMIM 124900.

Allele frequency attached by ClinVar (database versions not stated): TOPMed below 0.00001.

Submissions (3):

GeneDx
Classification: Pathogenic. Last evaluated: 2026-04-07. Review status: criteria provided, single submitter. Criteria: GeneDx Variant Classification Process June 2021. Collection method: clinical testing. Allele origin: germline.
Comment: Canonical splice site variant predicted to result in an in-frame loss of the adjacent exon in a gene for which loss of function is a known mechanism of disease; Not observed at significant frequency in large population cohorts (gnomAD); This variant is associated with the following publications: (PMID: 27808407, 25525159, 37121227, 35681420, 31473629, 39542281, 39720982, 26463574, 9360932)

Labcorp Genetics (formerly Invitae), Labcorp
Classification: Pathogenic for Progressive microcephaly-seizures-cortical blindness-developmental delay syndrome; Autosomal dominant nonsyndromic hearing loss 1. Last evaluated: 2022-07-19. Review status: criteria provided, single submitter. Criteria: Invitae Variant Classification Sherloc (09022015). Collection method: clinical testing. Allele origin: germline.
Comment: ClinVar contains an entry for this variant (Variation ID: 7528). This variant is also known as c.3634+1G>T. Disruption of this splice site has been observed in individual(s) with autosomal dominant deafness (PMID: 9360932). It has also been observed to segregate with disease in related individuals. This variant is not present in population databases (gnomAD no frequency). This sequence change affects a donor splice site in intron 27 of the DIAPH1 gene. RNA analysis indicates that disruption of this splice site induces altered splicing and likely disrupts the C-terminus of the protein. Variants that disrupt the consensus splice site are a relatively common cause of aberrant splicing (PMID: 17576681, 9536098). Studies have shown that disruption of this splice site results in activation of a cryptic splice site and introduces a new termination codon (PMID: 9360932). However the mRNA is not expected to undergo nonsense-mediated decay. For these reasons, this variant has been classified as Pathogenic.

OMIM
Classification: Pathogenic for DEAFNESS, AUTOSOMAL DOMINANT 1. Last evaluated: 1997-11-14. Review status: no assertion criteria provided. Collection method: literature only. Allele origin: germline. Not counted in ClinVar's aggregate classification.

Literature cited by the submitters: PubMed 9360932 (cited by Labcorp Genetics (formerly Invitae), Labcorp and OMIM); PubMed 17576681 (cited by Labcorp Genetics (formerly Invitae), Labcorp); PubMed 9536098 (cited by Labcorp Genetics (formerly Invitae), Labcorp).